The following is an entry in ClinVar:

NM_000388.4(CASR):c.2603C>T (p.Thr868Ile)

Gene: CASR (calcium sensing receptor; plus strand). Cytogenetic location: 3q21.1.
Variant type: single nucleotide variant.
Coding change: c.2603C>T on transcript NM_000388.4 (MANE Select); coding-DNA position 2603, C replaced by T.
Protein change: p.Thr868Ile; replaces threonine 868 with isoleucine.
Molecular consequence: missense variant.
Genome position (GRCh38, 1-based): chr3:122,284,557, C>T. VCF-style: chr3-122284557-C-T. GRCh37 (hg19) VCF-style: chr3-122003404-C-T.
Other names: c.2633C>T, p.Thr878Ile (NM_001178065.2); short protein forms T868I, T878I.
Identifiers: ClinVar variation 3485308 (VCV003485308.1).

ClinVar aggregate classification (germline): Uncertain significance (1 of 4 stars; one submission).

Conditions:
Nephrolithiasis/nephrocalcinosis. Identifiers: MedGen CN580796.

Submission:

Ambry Genetics
Classification: Uncertain significance for Nephrolithiasis/nephrocalcinosis. Last evaluated: 2024-06-27. Review status: criteria provided, single submitter. Criteria: Ambry Variant Classification Scheme 2023. Collection method: clinical testing. Allele origin: germline.
Comment: The p.T868I variant (also known as c.2603C>T), located in coding exon 6 of the CASR gene, results from a C to T substitution at nucleotide position 2603. The threonine at codon 868 is replaced by isoleucine, an amino acid with similar properties. This amino acid position is highly conserved in available vertebrate species. In addition, this alteration is predicted to be deleterious by in silico analysis. Based on the available evidence, the clinical significance of this variant remains unclear.